The following is an entry in ClinVar:

ClinVar aggregate classification (germline): Likely benign. Review status: criteria provided, multiple submitters, no conflicts (2 of 4 stars). 5 submissions from 5 submitters: Likely benign (5). Last evaluated 2025-01-25.

Conditions:
Cardiovascular phenotype. Identifiers: MedGen CN230736.
Cardiomyopathy (CMYO). Also called: Cardiomyopathies. Identifiers: Orphanet 167848, MedGen C0878544, MONDO:0004994, HP:0001638. Inheritance: Various modes of inheritance.
Arrhythmogenic right ventricular dysplasia 5. Also called: Arrhythmogenic Right Ventricular Dysplasia/Cardiomyopathy 5; ARRHYTHMOGENIC RIGHT VENTRICULAR DYSPLASIA, FAMILIAL, 5. Identifiers: MedGen C1858379, MONDO:0011459, OMIM 604400.

Allele frequency attached by ClinVar (database versions not stated): ExAC 0.00002; gnomAD exomes 0.00002; gnomAD 0.00003 and 0.00004; TOPMed 0.00003; ESP Exome Variant Server 0.00008; 1000 Genomes Project 0.00020; 1000 Genomes Project 30x 0.00031.
gnomAD v4.1: 29 of 1,614,108 alleles (0.0018%); highest among the groups gnomAD compares: African/African-American, 0.0067%; no homozygotes.

Submissions (5):

Labcorp Genetics (formerly Invitae), Labcorp
Classification: Likely benign for Arrhythmogenic right ventricular dysplasia 5. Last evaluated: 2025-01-25. Review status: criteria provided, single submitter. Criteria: Invitae Variant Classification Sherloc (09022015). Collection method: clinical testing. Allele origin: germline.

Blueprint Genetics
Classification: Likely benign. Last evaluated: 2024-08-29. Review status: criteria provided, single submitter. Criteria: ACMG Guidelines, 2015. Collection method: clinical testing. Allele origin: germline.

All of Us Research Program, National Institutes of Health
Classification: Likely benign for Arrhythmogenic right ventricular dysplasia 5. Last evaluated: 2024-08-13. Review status: criteria provided, single submitter. Criteria: ACMG Guidelines, 2015. Collection method: clinical testing. Allele origin: germline. Inheritance: Autosomal dominant inheritance. Observed: 3 variant alleles, 3 heterozygotes.
Comment: This study involves interpretation of variants in research participants for the purpose of population health screening. Participant phenotype was not available at the time of variant classification. Additional details can be found in publication PMID: 35346344, PMCID: PMC8962531

Ambry Genetics
Classification: Likely benign for Cardiovascular phenotype. Last evaluated: 2022-12-04. Review status: criteria provided, single submitter. Criteria: Ambry Variant Classification Scheme 2023. Collection method: clinical testing. Allele origin: germline.

Color Diagnostics, LLC DBA Color Health
Classification: Likely benign for Cardiomyopathy. Last evaluated: 2019-01-20. Review status: criteria provided, single submitter. Criteria: ACMG Guidelines, 2015. Collection method: clinical testing. Allele origin: germline.

NM_024334.3(TMEM43):c.591C>T (p.Ile197=)

Gene: TMEM43 (transmembrane protein 43; plus strand). Cytogenetic location: 3p25.1.
Variant type: single nucleotide variant.
Coding change: c.591C>T on transcript NM_024334.3 (MANE Select); coding-DNA position 591, C replaced by T.
Protein change: p.Ile197=; no amino-acid change (isoleucine 197 retained).
Molecular consequence: synonymous variant.
Genome position (GRCh38, 1-based): chr3:14,134,777, C>T. VCF-style: chr3-14134777-C-T. GRCh37 (hg19) VCF-style: chr3-14176277-C-T.
Identifiers: ClinVar variation 414173 (VCV000414173.18), dbSNP rs145024252, ClinGen allele CA054608.